The following is an entry in ClinVar:

ClinVar aggregate classification (germline): Likely benign (0 of 4 stars; one submission).

Conditions:
JARID2-related disorder. Also called: JARID2-related condition.

Allele frequency attached by ClinVar (database versions not stated): ExAC 0.00052; 1000 Genomes Project 30x 0.00078; 1000 Genomes Project 0.00080; gnomAD 0.00172; ESP Exome Variant Server 0.00177; TOPMed 0.00186.
gnomAD v4.1: 474 of 1,571,482 alleles (0.03%); highest among the groups gnomAD compares: African/African-American, 0.58%; no homozygotes.

Submission:

PreventionGenetics, part of Exact Sciences
Classification: Likely benign for JARID2-related condition. Last evaluated: 2019-11-25. Review status: no assertion criteria provided. Collection method: clinical testing. Allele origin: germline.
Comment: This variant is classified as likely benign based on ACMG/AMP sequence variant interpretation guidelines (Richards et al. 2015 PMID: 25741868, with internal and published modifications).

NM_004973.4(JARID2):c.1946-10G>A

Gene: JARID2 (jumonji and AT-rich interaction domain containing 2; plus strand). Cytogenetic location: 6p22.3.
Variant type: single nucleotide variant.
Coding change: c.1946-10G>A on transcript NM_004973.4 (MANE Select); 10 bases into the intron before coding-DNA position 1946, G replaced by A.
Molecular consequence: intron variant.
Genome position (GRCh38, 1-based): chr6:15,500,897, G>A. VCF-style: chr6-15500897-G-A. GRCh37 (hg19) VCF-style: chr6-15501128-G-A.
Other names: c.1430-10G>A (NM_001267040.1).
Identifiers: ClinVar variation 3040941 (VCV003040941.2), dbSNP rs187900827, ClinGen allele CA3643039.